The following is an entry in ClinVar:

NM_001330360.2(POLA1):c.1192C>T (p.Arg398Cys)

Gene: POLA1 (DNA polymerase alpha 1, catalytic subunit; plus strand). Cytogenetic location: Xp22.11.
Variant type: single nucleotide variant.
Coding change: c.1192C>T on transcript NM_001330360.2 (MANE Select); coding-DNA position 1192, C replaced by T.
Protein change: p.Arg398Cys; replaces arginine 398 with cysteine.
Molecular consequence: missense variant. On other transcripts: non-coding transcript variant (2).
Genome position (GRCh38, 1-based): chrX:24,723,259, C>T. VCF-style: chrX-24723259-C-T. GRCh37 (hg19) VCF-style: chrX-24741376-C-T.
Other names: c.1192C>T, p.Arg398Cys (NM_001378303.1); c.1174C>T, p.Arg392Cys (NM_016937.4); short protein forms R392C, R398C.
Identifiers: ClinVar variation 2983056 (VCV002983056.7), dbSNP rs754086525, ClinGen allele CA10372917.

ClinVar aggregate classification (germline): Benign/Likely benign. Review status: criteria provided, multiple submitters, no conflicts (2 of 4 stars). 2 submissions from 2 submitters: Benign (1); Likely benign (1). Last evaluated 2026-02-01.

Allele frequency attached by ClinVar (database versions not stated): gnomAD exomes 0.00001; ExAC 0.00002.
gnomAD v4.1: 13 of 1,153,813 alleles (0.0011%); highest among the groups gnomAD compares: Middle Eastern, 0.024%; no homozygotes.

Submissions (2):

CeGaT Center for Human Genetics Tuebingen
Classification: Likely benign. Last evaluated: 2026-02-01. Review status: criteria provided, single submitter. Criteria: CeGaT Center For Human Genetics Tuebingen Variant Classification Criteria Version 2. Collection method: clinical testing. Allele origin: germline. Affected: yes. Observed: 1 variant allele.
Comment: POLA1: BP4, BS2

Labcorp Genetics (formerly Invitae), Labcorp
Classification: Benign. Last evaluated: 2022-12-02. Review status: criteria provided, single submitter. Criteria: Invitae Variant Classification Sherloc (09022015). Collection method: clinical testing. Allele origin: germline.